The following is an entry in ClinVar:

ClinVar aggregate classification (germline): Uncertain significance. Review status: criteria provided, single submitter (1 of 4 stars). 2 submissions from 1 submitter: Uncertain significance (1). 1 of the submissions does not count toward it. Last evaluated 2022-02-04.

Conditions:
Charcot-Marie-Tooth disease type 4. Also called: Charcot-Marie-Tooth disease, type IV; Charcot-Marie-Tooth, Type 4. Identifiers: Orphanet 64749, MedGen C4082197, MONDO:0018995.

Submissions (2):

Labcorp Genetics (formerly Invitae), Labcorp
Classification: Uncertain significance. Last evaluated: 2022-02-04. Review status: criteria provided, single submitter. Criteria: Invitae Variant Classification Sherloc (09022015). Collection method: clinical testing. Allele origin: germline.
Comment: A gross deletion of the genomic region encompassing the full coding sequence of the QRSL1 gene has been identified. The current clinical and genetic evidence is not sufficient to establish whether loss-of-function variants in QRSL1 cause disease. The boundaries of this event are unknown as they extend beyond the assayed region for this gene and therefore may encompass additional genes. This variant has not been reported in the literature in individuals affected with QRSL1-related conditions. In summary, the available evidence is currently insufficient to determine the role of this variant in disease. Therefore, it has been classified as a Variant of Uncertain Significance.

Labcorp Genetics (formerly Invitae), Labcorp
Classification: Pathogenic for Charcot-Marie-Tooth disease type 4. Last evaluated: 2022-02-04. Review status: flagged submission. Criteria: Invitae Variant Classification Sherloc (09022015). Collection method: clinical testing. Allele origin: germline. Not counted in ClinVar's aggregate classification.
Comment: A gross deletion of the genomic region encompassing the full coding sequence of the FIG4 gene has been identified. Loss-of-function variants in FIG4 are known to be pathogenic (PMID: 23623387). The boundaries of this event are unknown as they extend beyond the assayed region for this gene and therefore may encompass additional genes. This variant has not been reported in the literature in individuals affected with FIG4-related conditions. For these reasons, this variant has been classified as Pathogenic.
ClinVar note: Reason: This record appears to be redundant with a more recent record from the same submitter.
ClinVar note: Notes: SCV003792993 appears to be redundant with SCV003795164.

Literature cited by the submitters: PubMed 23623387.

NC_000006.11:g.(?_107019871)_(110266416_?)del

Genes: AFG1L (AFG1 like ATPase; plus strand), AK9 (adenylate kinase 9; minus strand), ARMC2 (armadillo repeat containing 2; plus strand), BEND3 (BEN domain containing 3; minus strand), CD164 (CD164 molecule; minus strand) and 18 more. Cytogenetic location: 6q21.
Variant type: Deletion.
Identifiers: ClinVar variation 2425984 (VCV002425984.3).